The following is an entry in ClinVar:

ClinVar aggregate classification (germline): Uncertain significance (1 of 4 stars; one submission).

Conditions:
Hyperkalemic periodic paralysis. Also called: Familial hyperkalemic periodic paralysis; Gamstorp disease. Identifiers: Orphanet 682, MedGen C0238357, MONDO:0008224, OMIM 170500, HP:0007215.

Submission:

Labcorp Genetics (formerly Invitae), Labcorp
Classification: Uncertain significance for Hyperkalemic periodic paralysis. Last evaluated: 2019-01-06. Review status: criteria provided, single submitter. Criteria: Invitae Variant Classification Sherloc (09022015). Collection method: clinical testing. Allele origin: germline.
Comment: In summary, the available evidence is currently insufficient to determine the role of this variant in disease. Therefore, it has been classified as a Variant of Uncertain Significance. Algorithms developed to predict the effect of missense changes on protein structure and function output the following: SIFT: "Tolerated"; PolyPhen-2: "Benign"; Align-GVGD: "Class C0". The glycine amino acid residue is found in multiple mammalian species, suggesting that this missense change does not adversely affect protein function. These predictions have not been confirmed by published functional studies and their clinical significance is uncertain. This variant has not been reported in the literature in individuals with SCN4A-related conditions. This variant is not present in population databases (ExAC no frequency). This sequence change replaces aspartic acid with glycine at codon 532 of the SCN4A protein (p.Asp532Gly). The aspartic acid residue is highly conserved and there is a moderate physicochemical difference between aspartic acid and glycine.

NM_000334.4(SCN4A):c.1595A>G (p.Asp532Gly)

Gene: SCN4A (sodium voltage-gated channel alpha subunit 4; minus strand). Cytogenetic location: 17q23.3.
Variant type: single nucleotide variant.
Coding change: c.1595A>G on transcript NM_000334.4 (MANE Select); coding-DNA position 1595, A replaced by G.
Protein change: p.Asp532Gly; replaces aspartic acid 532 with glycine.
Molecular consequence: missense variant.
Genome position (GRCh38, 1-based): chr17:63,963,683, T>C on the plus strand (A>G on the coding strand, the complement: SCN4A is on the minus strand). VCF-style: chr17-63963683-T-C. GRCh37 (hg19) VCF-style: chr17-62041043-T-C.
Other names: short protein forms D532G.
Identifiers: ClinVar variation 852924 (VCV000852924.10), dbSNP rs1909340315, ClinGen allele CA400634428.
Genomic context (GRCh38, chr17:63,963,683, plus strand): 5'-GCCAGGCTCCACCCCTACCTAAGTGGGCACGGGGGCACAAGGCACTCACCTTCCATGGCG[T>C]CGGAGATGCCGCTGTCTCCGCTGCTGCTCTGCCTCGGGGCTCCCTTCTCCCCTTGCGATG-3'
Protein context (NP_000325.4, residues 522-542): QSSSGDSGIS[Asp532Gly]AMEELEEAHQ